The following is an entry in ClinVar:

NR_199791.1(RNU2-2):n.50C>G

Genes: RNU2-2 (RNA, U2 small nuclear 2; minus strand), WDR74 (WD repeat domain 74; minus strand). Cytogenetic location: 11q12.3.
Variant type: single nucleotide variant.
Molecular consequence: non-coding transcript variant (on NR_199791.1). On other transcripts: 5 prime UTR variant (1).
Genome position: GRCh38 VCF-style: chr11-62841760-G-C. GRCh37 (hg19) VCF-style: chr11-62609232-G-C.
Other names: c.-489C>G (NM_001369451.1).
Identifiers: ClinVar variation 3898509 (VCV003898509.8).
Genomic context (GRCh38, chr11:62,841,760, plus strand): 5'-ATTTCCAAAAATCCATTTAATATATTGTCCTCGGATAGAGGACGTATCAGATATTAAACT[G>C]ATAAGAACAGATACTACACTTGATCTTAGCCAAAAGGCCGAGAAGCGATACCTTTACTTC-3'

ClinVar aggregate classification (germline): Uncertain significance. Review status: criteria provided, multiple submitters, no conflicts (2 of 4 stars). 2 submissions from 2 submitters: Uncertain significance (2). Last evaluated 2025-11-27.

gnomAD v4.1: 4 of 152,274 alleles (0.0026%); highest among the groups gnomAD compares: African/African-American, 0.0072%; no homozygotes.

Submissions (2):

Institute for Human Genetics, University Hospital Essen
Classification: Uncertain significance. Last evaluated: 2025-11-27. Review status: criteria provided, single submitter. Criteria: Submitter's publication. Collection method: clinical testing. Allele origin: inherited. Inheritance: Autosomal unknown. Affected: yes. Observed: 1 variant allele, 1 compound heterozygote.
Comment: PM1_supp, PM2_supp, PM3 (criteria rationale detailed in Leitão et al. Nature Genetics 2026)

CeGaT Center for Human Genetics Tuebingen
Classification: Uncertain significance. Last evaluated: 2025-04-01. Review status: criteria provided, single submitter. Criteria: CeGaT Center For Human Genetics Tuebingen Variant Classification Criteria Version 2. Collection method: clinical testing. Allele origin: germline. Affected: yes. Observed: 1 variant allele.